The following is an entry in ClinVar:

NM_175914.5(HNF4A):c.752T>G (p.Val251Gly)

Gene: HNF4A (hepatocyte nuclear factor 4 alpha; plus strand). Cytogenetic location: 20q13.12.
Variant type: single nucleotide variant.
Coding change: c.752T>G on transcript NM_175914.5 (MANE Select); coding-DNA position 752, T replaced by G.
Protein change: p.Val251Gly; replaces valine 251 with glycine.
Molecular consequence: missense variant.
Genome position (GRCh38, 1-based): chr20:44,419,802, T>G. VCF-style: chr20-44419802-T-G. GRCh37 (hg19) VCF-style: chr20-43048442-T-G.
Other names: NM_175914.5:c.752T>G; c.818T>G, p.Val273Gly (NM_000457.6, NM_178849.3, NM_178850.3); c.752T>G, p.Val251Gly (NM_001030003.3, NM_001030004.3); c.797T>G, p.Val266Gly (NM_001258355.2); c.743T>G, p.Val248Gly (NM_001287182.2, NM_001287183.2, NM_001287184.2); short protein forms V248G, V251G, V266G, V273G.
Identifiers: ClinVar variation 4856807 (VCV004856807.1).

ClinVar aggregate classification (germline): Uncertain significance (3 of 4 stars; one submission).

Conditions:
Monogenic diabetes. Identifiers: Orphanet 183625, MedGen C3888631, MONDO:0015967.

Submission:

ClinGen Monogenic Diabetes Variant Curation Expert Panel
Classification: Uncertain significance for Monogenic diabetes. Last evaluated: 2026-05-26. Review status: reviewed by expert panel. Criteria: ClinGen Diabetes ACMG Specifications HNF4A V4.0.0. Collection method: curation. Allele origin: germline. Inheritance: Autosomal dominant inheritance.
Comment: The c.752T>G variant in the hepatocyte nuclear factor 4-alpha gene, HNF4A, causes an amino acid change of valine to glycine at codon 251 (p.(Val251Gly)) of NM_175914.5. This variant is absent from gnomAD v4.1.0 (PM2_Supporting). This variant is predicted to be deleterious by computational evidence, with a REVEL score of 0.985, which is greater than the MDEP VCEP threshold of 0.70 (PP3). This variant was identified in an individual with diabetes; however, the MODY probability is unable to be calculated due to insufficient clinical information, so PP4 cannot be applied (PMID: 34746319). Another missense variant at the same residue, c.752T>C (p.Val251Ala), has been classified as a VUS by the ClinGen MDEP; therefore, PM5 will not be applied. In summary, c.752T>G meets the criteria to be classified as a variant of uncertain significance for monogenic diabetes. ACMG/AMP criteria applied, as specified by the ClinGen MDEP (specification version 4.0.0, approved 10/10/2025): PM2_Supporting, PP3.

Literature cited by the submitters: PubMed 34746319.